The following is an entry in ClinVar:

ClinVar aggregate classification (germline): Uncertain significance. Review status: criteria provided, multiple submitters, no conflicts (2 of 4 stars). 2 submissions from 2 submitters: Uncertain significance (2). Last evaluated 2024-09-23.

Conditions:
Multiple endocrine neoplasia, type 1 (MEN1). Also called: MEA I; MEN I; WERMER SYNDROME; Endocrine adenomatosis multiple; MEN 1. Identifiers: Orphanet 652, MedGen C0025267, MeSH D018761, MONDO:0007540, OMIM 131100.

Submissions (2):

All of Us Research Program, National Institutes of Health
Classification: Uncertain significance for Multiple endocrine neoplasia, type 1. Last evaluated: 2024-09-23. Review status: criteria provided, single submitter. Criteria: ACMG Guidelines, 2015. Collection method: clinical testing. Allele origin: germline. Inheritance: Autosomal dominant inheritance. Observed: 1 variant allele, 1 heterozygote.
Comment: This study involves interpretation of variants in research participants for the purpose of population health screening. Participant phenotype was not available at the time of variant classification. Additional details can be found in publication PMID: 35346344, PMCID: PMC8962531

Labcorp Genetics (formerly Invitae), Labcorp
Classification: Uncertain significance for Multiple endocrine neoplasia, type 1. Last evaluated: 2023-06-16. Review status: criteria provided, single submitter. Criteria: Invitae Variant Classification Sherloc (09022015). Collection method: clinical testing. Allele origin: germline.
Comment: This variant is not present in population databases (gnomAD no frequency). This missense change has been observed in individual(s) with MEN1-related conditions (PMID: 30869828). Advanced modeling of protein sequence and biophysical properties (such as structural, functional, and spatial information, amino acid conservation, physicochemical variation, residue mobility, and thermodynamic stability) performed at Invitae indicates that this missense variant is expected to disrupt MEN1 protein function. In summary, the available evidence is currently insufficient to determine the role of this variant in disease. Therefore, it has been classified as a Variant of Uncertain Significance. This sequence change replaces glycine, which is neutral and non-polar, with glutamic acid, which is acidic and polar, at codon 281 of the MEN1 protein (p.Gly281Glu).

Literature cited by the submitters: PubMed 30869828 (cited by Labcorp Genetics (formerly Invitae), Labcorp).

NM_001370259.2(MEN1):c.842G>A (p.Gly281Glu)

Gene: MEN1 (menin 1; minus strand). Cytogenetic location: 11q13.1.
Variant type: single nucleotide variant.
Coding change: c.842G>A on transcript NM_001370259.2 (MANE Select); coding-DNA position 842, G replaced by A.
Protein change: p.Gly281Glu; replaces glycine 281 with glutamic acid.
Molecular consequence: missense variant. On other transcripts: non-coding transcript variant (4).
Genome position (GRCh38, 1-based): chr11:64,807,081, C>T on the plus strand (G>A on the coding strand, the complement: MEN1 is on the minus strand). VCF-style: chr11-64807081-C-T. GRCh37 (hg19) VCF-style: chr11-64574553-C-T.
Other names: c.857G>A, p.Gly286Glu (NM_000244.4, NM_130800.3, NM_130801.3 and 5 more transcripts); c.842G>A, p.Gly281Glu (NM_001370251.2, NM_001370260.2, NM_001370261.2 and 7 more transcripts); c.737G>A, p.Gly246Glu (NM_001370262.2, NM_001370263.2, NM_001407148.1 and 2 more transcripts); short protein forms G286E, G281E, G246E.
Identifiers: ClinVar variation 2907409 (VCV002907409.4), dbSNP rs2497188498, ClinGen allele CA381183700.